The following is an entry in ClinVar:

NM_001046.3(SLC12A2):c.18G>C (p.Thr6=)

Genes: SLC12A2 (solute carrier family 12 member 2; plus strand), LOC129994526 (ATAC-STARR-seq lymphoblastoid silent region 16295; plus strand). Cytogenetic location: 5q23.3.
Variant type: single nucleotide variant.
Coding change: c.18G>C on transcript NM_001046.3 (MANE Select); coding-DNA position 18, G replaced by C.
Protein change: p.Thr6=; no amino-acid change (threonine 6 retained).
Molecular consequence: synonymous variant. On other transcripts: non-coding transcript variant (1).
Genome position (GRCh38, 1-based): chr5:128,083,972, G>C. VCF-style: chr5-128083972-G-C. GRCh37 (hg19) VCF-style: chr5-127419664-G-C.
Other names: c.18G>C, p.Thr6= (NM_001256461.2); c.18G>C (NM_001046.2).
Identifiers: ClinVar variation 2146972 (VCV002146972.29), dbSNP rs575250660, ClinGen allele CA3392739.

ClinVar aggregate classification (germline): Likely benign. Review status: criteria provided, multiple submitters, no conflicts (2 of 4 stars). 4 submissions from 4 submitters: Likely benign (3). 1 of the submissions does not count toward it. Last evaluated 2025-08-03.

Conditions:
SLC12A2-related disorder. Also called: SLC12A2-related disorders; SLC12A2-related condition.

Allele frequency attached by ClinVar (database versions not stated): TOPMed 0.00009; gnomAD 0.00034; 1000 Genomes Project 30x 0.00203; 1000 Genomes Project 0.00260.
gnomAD v4.1: 393 of 1,239,502 alleles (0.032%); highest among the groups gnomAD compares: South Asian, 0.9%; 6 homozygotes.

Submissions (4):

Labcorp Genetics (formerly Invitae), Labcorp
Classification: Likely benign. Last evaluated: 2025-08-03. Review status: criteria provided, single submitter. Criteria: Invitae Variant Classification Sherloc (09022015). Collection method: clinical testing. Allele origin: germline.

Blueprint Genetics
Classification: Likely benign. Last evaluated: 2024-09-27. Review status: criteria provided, single submitter. Criteria: ACMG Guidelines, 2015. Collection method: clinical testing. Allele origin: germline.

CeGaT Center for Human Genetics Tuebingen
Classification: Likely benign. Last evaluated: 2023-02-01. Review status: criteria provided, single submitter. Criteria: CeGaT Center For Human Genetics Tuebingen Variant Classification Criteria Version 2. Collection method: clinical testing. Allele origin: germline. Affected: yes. Observed: 1 variant allele.
Comment: SLC12A2: BP4, BP7

PreventionGenetics, part of Exact Sciences
Classification: Likely benign for SLC12A2-related condition. Last evaluated: 2024-04-02. Review status: no assertion criteria provided. Collection method: clinical testing. Allele origin: germline. Not counted in ClinVar's aggregate classification.
Comment: This variant is classified as likely benign based on ACMG/AMP sequence variant interpretation guidelines (Richards et al. 2015 PMID: 25741868, with internal and published modifications).